The following is an entry in ClinVar:

ClinVar aggregate classification (germline): not provided (0 of 4 stars; one submission).

Conditions:
Large for gestational age. Identifiers: MedGen C1848395, HP:0001520.

Submission:

Institute of Molecular and Cell Biology, University of Tartu
No classification provided. Condition: Large for gestational age. Review status: no classification provided. Collection method: case-control. Allele origin: unknown. Affected: yes. Study: Kasak2014.
Comment: The study aimed to determine the contribution of copy number variants in the genetic etiology of normal and complicated pregnancies. The samples represented (i) maternal blood DNA drawn from healthy pregnant women during 1st or 2nd trimester and (ii) maternal and paternal blood DNA drawn at term pregnancy cases representing normal and complicated gestations (severe preeclampsia, PE; gestational diabetes, GD; small-for-gestational age newborn, SGA; large-for-gestational age newborn, LGA). We performed CNV calling based on genome-wide genotyping dataset (Illumina HumanOmniExpress-24-v1 BeadChip) by applying three algorithms, QuantiSNP, GADA (Genome Alteration Detection Algorithm) and CNstream in parallel. The acquired CNV calls were merged with HD-CNV (Hotspot Detector for Copy Number Variants) program and only the CNVs predicted by at least two programs, were considered in subsequent analysis.

Literature cited by the submitters: PubMed 25666259.

Single allele

Variant type: Deletion.
Identifiers: ClinVar variation 156740 (VCV000156740.2).